The following is an entry in ClinVar:

ClinVar aggregate classification (germline): Likely pathogenic (1 of 4 stars; one submission).

Submission:

Labcorp Genetics (formerly Invitae), Labcorp
Classification: Likely pathogenic. Last evaluated: 2025-12-10. Review status: criteria provided, single submitter. Criteria: Invitae Variant Classification Sherloc (09022015). Collection method: clinical testing. Allele origin: germline.
Comment: This sequence change affects an acceptor splice site in intron 10 of the SLC4A1 gene. It is expected to disrupt RNA splicing. Variants that disrupt the donor or acceptor splice site typically lead to a loss of protein function (PMID: 16199547), and loss-of-function variants in SLC4A1 are known to be pathogenic (PMID: 8943874, 10926824, 23255290). This variant is not present in population databases (gnomAD no frequency). This variant has not been reported in the literature in individuals affected with SLC4A1-related conditions. Algorithms developed to predict the effect of sequence changes on RNA splicing suggest that this variant may disrupt the consensus splice site. In summary, the currently available evidence indicates that the variant is pathogenic, but additional data are needed to prove that conclusively. Therefore, this variant has been classified as Likely Pathogenic.

Literature cited by the submitters: PubMed 16199547; PubMed 8943874; PubMed 10926824; PubMed 23255290.

NM_000342.4(SLC4A1):c.1088-1G>A

Gene: SLC4A1 (solute carrier family 4 member 1 (Diego blood group); minus strand). Cytogenetic location: 17q21.31.
Variant type: single nucleotide variant.
Coding change: c.1088-1G>A on transcript NM_000342.4 (MANE Select); the canonical splice acceptor site of the intron before coding-DNA position 1088, G replaced by A.
Molecular consequence: splice acceptor variant.
Genome position (GRCh38, 1-based): chr17:44,258,181, C>T on the plus strand (G>A on the coding strand, the complement: SLC4A1 is on the minus strand). VCF-style: chr17-44258181-C-T. GRCh37 (hg19) VCF-style: chr17-42335549-C-T.
Identifiers: ClinVar variation 4773019 (VCV004773019.1).